The following is an entry in ClinVar:

ClinVar aggregate classification (germline): Uncertain significance (1 of 4 stars; one submission).

Conditions:
Brugada syndrome. Also called: Sudden Unexplained Death Syndrome; Sudden unexpected nocturnal death syndrome; Sudden unexplained nocturnal death syndrome; Sudden Unexplained Nocturnal Death Syndrome (SUNDS). Identifiers: Orphanet 130, MedGen C1142166, MONDO:0015263.

Submission:

Labcorp Genetics (formerly Invitae), Labcorp
Classification: Uncertain significance for Brugada syndrome. Last evaluated: 2021-01-03. Review status: criteria provided, single submitter. Criteria: Invitae Variant Classification Sherloc (09022015). Collection method: clinical testing. Allele origin: germline.
Comment: This sequence change replaces glutamic acid with glutamine at codon 264 of the SLMAP protein (p.Glu264Gln). The glutamic acid residue is highly conserved and there is a small physicochemical difference between glutamic acid and glutamine. This variant is not present in population databases (ExAC no frequency). In summary, the available evidence is currently insufficient to determine the role of this variant in disease. Therefore, it has been classified as a Variant of Uncertain Significance. Algorithms developed to predict the effect of missense changes on protein structure and function (SIFT, PolyPhen-2, Align-GVGD) all suggest that this variant is likely to be disruptive, but these predictions have not been confirmed by published functional studies and their clinical significance is uncertain. This variant has not been reported in the literature in individuals with SLMAP-related conditions.

NM_001377540.1(SLMAP):c.790G>C (p.Glu264Gln)

Gene: SLMAP (sarcolemma associated protein; plus strand). Cytogenetic location: 3p14.3.
Variant type: single nucleotide variant.
Coding change: c.790G>C on transcript NM_001377540.1 (MANE Select); coding-DNA position 790, G replaced by C.
Protein change: p.Glu264Gln; replaces glutamic acid 264 with glutamine.
Molecular consequence: missense variant. On other transcripts: non-coding transcript variant (1).
Genome position (GRCh38, 1-based): chr3:57,860,801, G>C. VCF-style: chr3-57860801-G-C. GRCh37 (hg19) VCF-style: chr3-57846528-G-C.
Other names: c.790G>C, p.Glu264Gln (NM_001304420.3, NM_001304421.2, NM_001377538.1 and 17 more transcripts); short protein forms E264Q.
Identifiers: ClinVar variation 1409074 (VCV001409074.8), dbSNP rs2153599173, ClinGen allele CA353407691.
Genomic context (GRCh38, chr3:57,860,801, plus strand): 5'-CAAGAGGATAAACATAACTATGAGACAACAGCCAAAGAGTCCCTGAGGCGGGTTCTTCAG[G>C]AGAAAATTGAAGTGGTTAGAAAACTTTCAGAAGTTGAGGTATTTCAATCAAAAAAAAAAT-3'
Protein context (NP_001364469.1, residues 254-274): AKESLRRVLQ[Glu264Gln]KIEVVRKLSE